The following is an entry in ClinVar:

NM_000829.4(GRIA4):c.794T>G (p.Val265Gly)

Gene: GRIA4 (glutamate ionotropic receptor AMPA type subunit 4; plus strand). Cytogenetic location: 11q22.3.
Variant type: single nucleotide variant.
Coding change: c.794T>G on transcript NM_000829.4 (MANE Select); coding-DNA position 794, T replaced by G.
Protein change: p.Val265Gly; replaces valine 265 with glycine.
Molecular consequence: missense variant. On other transcripts: non-coding transcript variant (1).
Genome position (GRCh38, 1-based): chr11:105,898,336, T>G. VCF-style: chr11-105898336-T-G. GRCh37 (hg19) VCF-style: chr11-105769062-T-G.
Other names: c.794T>G, p.Val265Gly (NM_001077243.3, NM_001077244.2, NM_001112812.2); short protein forms V265G.
Identifiers: ClinVar variation 3901695 (VCV003901695.1).

ClinVar aggregate classification (germline): Uncertain significance (1 of 4 stars; one submission).

gnomAD v4.1: 3 of 1,573,860 alleles (0.00019%); highest among the groups gnomAD compares: Non-Finnish European, 0.00026%; no homozygotes.

Submission:

GeneDx
Classification: Uncertain significance. Last evaluated: 2024-12-03. Review status: criteria provided, single submitter. Criteria: GeneDx Variant Classification Process June 2021. Collection method: clinical testing. Allele origin: germline. Affected: yes.
Comment: In silico analysis supports that this missense variant has a deleterious effect on protein structure/function; Has not been previously published as pathogenic or benign to our knowledge